The following is an entry in ClinVar:

NM_001267550.2(TTN):c.41120_41123del (p.Glu13707fs)

Gene: TTN (titin; minus strand). Cytogenetic location: 2q31.2.
Variant type: Deletion.
Coding change: c.41120_41123del on transcript NM_001267550.2 (MANE Select); coding-DNA positions 41120 to 41123, 4 bases deleted (AATG; older notation c.41120_41123delAATG).
Protein change: p.Glu13707fs; shifts the reading frame from glutamic acid 13707.
Molecular consequence: frameshift variant.
Genome position (GRCh38, 1-based): chr2:178,636,604-178,636,607, CATT deleted on the plus strand (AATG on the coding strand, the reverse complement: TTN is on the minus strand); deleting any 4 consecutive bases within chr2:178,636,604-178,636,609 gives the same sequence; the c. name uses the placement nearest the transcript's 3' end. VCF-style (leftmost placement, unchanged base first): chr2-178636603-ACATT-A. GRCh37 (hg19) VCF-style: chr2-179501330-ACATT-A.
Other names: c.36197_36200del, p.Glu12066fs (NM_001256850.1); c.13925_13928del, p.Glu4642fs (NM_003319.4); c.33416_33419del, p.Glu11139fs (NM_133378.4); c.14300_14303del, p.Glu4767fs (NM_133432.3); c.14501_14504del, p.Glu4834fs (NM_133437.4); c.13925_13928delAATG (NM_003319.4); short protein forms E4642fs, E11139fs, E12066fs, E4767fs, E4834fs, E13707fs.
Identifiers: ClinVar variation 1771567 (VCV001771567.3), dbSNP rs2060470205, ClinGen allele CA1310558392.

ClinVar aggregate classification (germline): Likely pathogenic. Review status: criteria provided, multiple submitters, no conflicts (2 of 4 stars). 2 submissions from 2 submitters: Likely pathogenic (2). Last evaluated 2022-02-16.

Conditions:
Cardiovascular phenotype. Identifiers: MedGen CN230736.

Submissions (2):

Ambry Genetics
Classification: Likely pathogenic for Cardiovascular phenotype. Last evaluated: 2022-02-16. Review status: criteria provided, single submitter. Criteria: Ambry Variant Classification Scheme 2023. Collection method: clinical testing. Allele origin: germline.
Comment: The c.13925_13928delAATG variant, located in coding exon 52 of the TTN gene, results from a deletion of 4 nucleotides at nucleotide positions 13925 to 13928, causing a translational frameshift with a predicted alternate stop codon (p.E4642Vfs*13). This exon is located in the I-band region of the N2-B isoform of the titin protein and is constitutively expressed in TTN transcripts (percent spliced in or PSI 100%). This variant is considered to be rare based on population cohorts in the Genome Aggregation Database (gnomAD). This alteration is expected to result in loss of function by premature protein truncation or nonsense-mediated mRNA decay. While truncating variants in TTN are present in 1-3% of the general population, truncating variants in the A-band are the most common cause of dilated cardiomyopathy (DCM) (Herman DS et al. N. Engl. J. Med., 2012 Feb;366:619-28; Roberts AM et al. Sci Transl Med, 2015 Jan;7:270ra6). TTN truncating variants encoded in constitutive exons (PSI >90%) have been found to be significantly associated with DCM regardless of their position in titin (Schafer S et al. Nat. Genet., 2017 01;49:46-53). As such, this alteration is classified as likely pathogenic.

Molecular Diagnostic Laboratory for Inherited Cardiovascular Disease, Montreal Heart Institute
Classification: Likely pathogenic for Cardiovascular phenotype. Last evaluated: 2022-01-25. Review status: criteria provided, single submitter. Criteria: ACMG Guidelines, 2015. Collection method: clinical testing. Allele origin: germline. Affected: yes.